The following is an entry in ClinVar:

ClinVar aggregate classification (germline): Pathogenic/Likely pathogenic. Review status: criteria provided, multiple submitters, no conflicts (2 of 4 stars). 12 submissions from 12 submitters: Pathogenic (7); Likely pathogenic (3). 2 of the submissions do not count toward it. Last evaluated 2025-12-18.

Conditions:
NALCN-related disorder. Also called: NALCN-related condition; NALCN-related disorders.
Inborn genetic diseases. Identifiers: MedGen C0950123, MeSH D030342.
Intellectual disability with episodic ataxia and congenital arthrogryposis.
Congenital contractures of the limbs and face, hypotonia, and developmental delay (CLIFAHDD). Identifiers: Orphanet 562528, MedGen C4225398, MONDO:0014556, OMIM 616266.

Submissions (12):

Equipe Genetique des Anomalies du Developpement, Université de Bourgogne
Classification: Likely pathogenic for Congenital contractures of the limbs and face, hypotonia, and developmental delay. Last evaluated: 2025-12-18. Review status: criteria provided, single submitter. Criteria: ACMG Guidelines, 2015. Collection method: clinical testing. Allele origin: de novo. Affected: yes.

3billion
Classification: Pathogenic for Congenital contractures of the limbs and face, hypotonia, and developmental delay. Last evaluated: 2025-06-17. Review status: criteria provided, single submitter. Criteria: ACMG Guidelines, 2015. Collection method: clinical testing. Allele origin: germline. Affected: yes.
Comment: The variant is not observed in the gnomAD v4.1.0 dataset. Predicted Consequence/Location: Missense variant In silico tool predictions suggest damaging effect of the variant on gene or gene product [REVEL: 0.94 (>=0.6, sensitivity 0.68 and specificity 0.92); 3Cnet: 0.99 (> 0.75, sensitivity 0.96 and precision 0.92)]. The same nucleotide change resulting in the same amino acid change has been previously reported as pathogenic/likely pathogenic with strong evidence (ClinVar ID: VCV000188046 /PMID: 25683120 /3billion dataset). The variant has been previously reported as de novo in a similarly affected individual (PMID: 26763878). The variant has been observed in at least two similarly affected unrelated individuals (PMID: 25683120, 25864427, 26763878). Therefore, this variant is classified as Pathogenic according to the recommendation of ACMG/AMP guideline.

Institute of Human Genetics Munich, TUM University Hospital
Classification: Likely pathogenic for Congenital contractures of the limbs and face, hypotonia, and developmental delay. Last evaluated: 2022-11-07. Review status: criteria provided, single submitter. Criteria: Classification criteria August 2017. Collection method: clinical testing. Allele origin: de novo. Inheritance: Autosomal dominant inheritance. Affected: yes. Observed: 1 variant allele.

GeneDx
Classification: Pathogenic. Last evaluated: 2022-09-13. Review status: criteria provided, single submitter. Criteria: GeneDx Variant Classification Process June 2021. Collection method: clinical testing. Allele origin: germline. Affected: yes.
Comment: Not observed at significant frequency in large population cohorts (gnomAD); In silico analysis supports that this missense variant has a deleterious effect on protein structure/function; This variant is associated with the following publications: (PMID: 33060286, 28454995, 34370008, 35256540, 31409833, 25864427, 25683120, 26763878)

Labcorp Genetics (formerly Invitae), Labcorp
Classification: Pathogenic. Last evaluated: 2022-08-14. Review status: criteria provided, single submitter. Criteria: Invitae Variant Classification Sherloc (09022015). Collection method: clinical testing. Allele origin: germline.
Comment: For these reasons, this variant has been classified as Pathogenic. Algorithms developed to predict the effect of missense changes on protein structure and function (SIFT, PolyPhen-2, Align-GVGD) all suggest that this variant is likely to be tolerated. ClinVar contains an entry for this variant (Variation ID: 188046). This missense change has been observed in individual(s) with arthrogryposis/congenital contractures, ataxia, developmental delay, facial dysmorphism, and/or hypotonia (PMID: 25683120, 25864427, 26763878). In at least one individual the variant was observed to be de novo. This variant is not present in population databases (gnomAD no frequency). This sequence change replaces arginine, which is basic and polar, with glutamine, which is neutral and polar, at codon 1181 of the NALCN protein (p.Arg1181Gln).

CeGaT Center for Human Genetics Tuebingen
Classification: Pathogenic. Last evaluated: 2022-04-01. Review status: criteria provided, single submitter. Criteria: CeGaT Center For Human Genetics Tuebingen Variant Classification Criteria Version 2. Collection method: clinical testing. Allele origin: germline. Affected: yes. Observed: 1 variant allele.
Comment: NALCN: PS2, PM2, PS4:Moderate, PP2, PP3, PS3:Supporting

Institute of Medical Genetics and Applied Genomics, University Hospital Tübingen
Classification: Pathogenic. Last evaluated: 2021-09-15. Review status: criteria provided, single submitter. Criteria: ACMG Guidelines, 2015. Collection method: clinical testing. Allele origin: germline. Inheritance: Autosomal dominant inheritance. Affected: yes.

Blueprint Genetics
Classification: Likely pathogenic for NALCN-related disorders. Last evaluated: 2020-08-19. Review status: criteria provided, single submitter. Criteria: ACMG Guidelines, 2015. Collection method: clinical testing. Allele origin: germline. Affected: yes. Observed: 1 variant allele.

Ambry Genetics
Classification: Pathogenic for Inborn genetic diseases. Last evaluated: 2018-06-19. Review status: criteria provided, single submitter. Criteria: Ambry exome assertion method (8-5-2015). Collection method: clinical testing. Allele origin: germline. Affected: yes. Observed: 1 variant allele.

Molecular Genetics Laboratory, BC Children's and BC Women's Hospitals
Classification: Pathogenic for Congenital contractures of the limbs and face, hypotonia, and developmental delay. Last evaluated: 2016-01-13. Review status: criteria provided, single submitter. Criteria: ACMG Guidelines, 2015. Collection method: clinical testing. Allele origin: de novo. Affected: yes.

University of Washington Center for Mendelian Genomics, University of Washington
Classification: Pathogenic for Congenital contractures of the limbs and face, hypotonia, and developmental delay. Last evaluated: 2015-05-19. Review status: no assertion criteria provided. Collection method: research. Allele origin: de novo. Affected: yes. Not counted in ClinVar's aggregate classification.

CHU Sainte-Justine Research Center, University of Montreal
Classification: Likely pathogenic for Intellectual disability with episodic ataxia and congenital arthrogryposis. Last evaluated: 2015-01-01. Review status: no assertion criteria provided. Collection method: research. Allele origin: de novo. Affected: yes. Observed: 1 variant allele. Not counted in ClinVar's aggregate classification.

Literature cited by the submitters: PubMed 25683120 (cited by 5 submitters); PubMed 26763878 (cited by 3 submitters); PubMed 25864427 (cited by 4 submitters); PubMed 28454995 (cited by Ambry Genetics).

NM_052867.4(NALCN):c.3542G>A (p.Arg1181Gln)

Gene: NALCN (sodium leak channel, non-selective; minus strand). Cytogenetic location: 13q32.3.
Variant type: single nucleotide variant.
Coding change: c.3542G>A on transcript NM_052867.4 (MANE Select); coding-DNA position 3542, G replaced by A.
Protein change: p.Arg1181Gln; replaces arginine 1181 with glutamine.
Molecular consequence: missense variant.
Genome position (GRCh38, 1-based): chr13:101,083,752, C>T on the plus strand (G>A on the coding strand, the complement: NALCN is on the minus strand). VCF-style: chr13-101083752-C-T. GRCh37 (hg19) VCF-style: chr13-101736103-C-T.
Other names: c.3629G>A, p.Arg1210Gln (NM_001350748.2); c.3542G>A, p.Arg1181Gln (NM_001350749.2); c.3455G>A, p.Arg1152Gln (NM_001350750.2, NM_001350751.2); short protein forms R1181Q, R1210Q, R1152Q.
Identifiers: ClinVar variation 188046 (VCV000188046.48), dbSNP rs786201003, ClinGen allele CA212642.
Genomic context (GRCh38, chr13:101,083,752, plus strand): 5'-ATCAGAGCATTTTGGGTACCCGGGCGAGGCGGAAGATGAAGAGGCTGTGCGATCTTCAGT[C>T]GGCTCTTCAGGTCTTCCCATCTTCTCTGATCGACGGTCAGCAAAGCCGTCCCCTTAACAG-3'
Protein context (NP_443099.1, residues 1171-1191): DQRRWEDLKS[Arg1181Gln]LKIAQPLHLP